The following is an entry in ClinVar:

ClinVar aggregate classification (germline): Uncertain significance. Review status: criteria provided, multiple submitters, no conflicts (2 of 4 stars). 3 submissions from 3 submitters: Uncertain significance (3). Last evaluated 2025-06-02.

Conditions:
Inborn genetic diseases. Identifiers: MedGen C0950123, MeSH D030342.
Spastic paraplegia. Identifiers: MedGen C0037772, HP:0001258.

Allele frequency attached by ClinVar (database versions not stated): gnomAD exomes below 0.00001; TOPMed below 0.00001; ExAC 0.00001.
gnomAD v4.1: 2 of 1,614,152 alleles (0.00012%); highest among the groups gnomAD compares: Non-Finnish European, 0.00017%; no homozygotes.

Submissions (3):

Labcorp Genetics (formerly Invitae), Labcorp
Classification: Uncertain significance for Spastic paraplegia. Last evaluated: 2025-06-02. Review status: criteria provided, single submitter. Criteria: Invitae Variant Classification Sherloc (09022015). Collection method: clinical testing. Allele origin: germline.
Comment: This sequence change replaces asparagine, which is neutral and polar, with aspartic acid, which is acidic and polar, at codon 5 of the KIF5A protein (p.Asn5Asp). This variant is not present in population databases (gnomAD no frequency). This variant has not been reported in the literature in individuals affected with KIF5A-related conditions. ClinVar contains an entry for this variant (Variation ID: 2029604). Invitae Evidence Modeling of protein sequence and biophysical properties (such as structural, functional, and spatial information, amino acid conservation, physicochemical variation, residue mobility, and thermodynamic stability) has been performed for this missense variant. However, the output from this modeling did not meet the statistical confidence thresholds required to predict the impact of this variant on KIF5A protein function. In summary, the available evidence is currently insufficient to determine the role of this variant in disease. Therefore, it has been classified as a Variant of Uncertain Significance.

GeneDx
Classification: Uncertain significance. Last evaluated: 2024-12-02. Review status: criteria provided, single submitter. Criteria: GeneDx Variant Classification Process June 2021. Collection method: clinical testing. Allele origin: germline. Affected: yes.
Comment: Not observed at significant frequency in large population cohorts (gnomAD); In silico analysis indicates that this missense variant does not alter protein structure/function; Has not been previously published as pathogenic or benign to our knowledge

Ambry Genetics
Classification: Uncertain significance for Inborn genetic diseases. Last evaluated: 2024-09-08. Review status: criteria provided, single submitter. Criteria: Ambry Variant Classification Scheme 2023. Collection method: clinical testing. Allele origin: germline.

NM_004984.4(KIF5A):c.13A>G (p.Asn5Asp)

Gene: KIF5A (kinesin family member 5A; plus strand). Cytogenetic location: 12q13.3.
Variant type: single nucleotide variant.
Coding change: c.13A>G on transcript NM_004984.4 (MANE Select); coding-DNA position 13, A replaced by G.
Protein change: p.Asn5Asp; replaces asparagine 5 with aspartic acid.
Molecular consequence: missense variant.
Genome position (GRCh38, 1-based): chr12:57,550,284, A>G. VCF-style: chr12-57550284-A-G. GRCh37 (hg19) VCF-style: chr12-57944067-A-G.
Other names: c.13A>G (NM_004984.2); c.13A>G, p.Asn5Asp (NM_001354705.2); short protein forms N5D.
Identifiers: ClinVar variation 2029604 (VCV002029604.6), dbSNP rs755532095, ClinGen allele CA6652489.
Genomic context (GRCh38, chr12:57,550,284, plus strand): 5'-CCACCCCTGCAGCCCAAGAAGAGTCCCAGCCCCACGCCGGCTACCACCATGGCGGAGACC[A>G]ACAACGAATGTAGCATCAAGGTGCTCTGCCGATTCCGGCCCCTGAACCAGGCTGAGATTC-3'
Protein context (NP_004975.2, residues 1-15): MAET[Asn5Asp]NECSIKVLCR